The following is an entry in ClinVar:

NM_007294.4(BRCA1):c.5455A>C (p.Asn1819His)

Gene: BRCA1 (BRCA1 DNA repair associated; minus strand). Cytogenetic location: 17q21.31.
Variant type: single nucleotide variant.
Coding change: c.5455A>C on transcript NM_007294.4 (MANE Select); coding-DNA position 5455, A replaced by C.
Protein change: p.Asn1819His; replaces asparagine 1819 with histidine.
Molecular consequence: missense variant. On other transcripts: non-coding transcript variant (1).
Genome position (GRCh38, 1-based): chr17:43,047,655, T>G on the plus strand (A>C on the coding strand, the complement: BRCA1 is on the minus strand). VCF-style: chr17-43047655-T-G. GRCh37 (hg19) VCF-style: chr17-41199672-T-G.
Other names: c.2005A>C, p.Asn669His (NM_001408455.1, NM_001408456.1, NM_001408457.1 and 3 more transcripts); c.2002A>C, p.Asn668His (NM_001408458.1, NM_001408459.1, NM_001408460.1 and 7 more transcripts); c.2069A>C, p.Gln690Pro (NM_001408472.1, NM_007299.4); c.2066A>C, p.Gln689Pro (NM_001408473.1); c.1945A>C, p.Asn649His (NM_001408474.1); c.1942A>C, p.Asn648His (NM_001408475.1, NM_001408476.1); c.1936A>C, p.Asn646His (NM_001408478.1, NM_001408479.1, NM_001408480.1); c.1933A>C, p.Asn645His (NM_001408481.1, NM_001408482.1, NM_001408483.1 and 5 more transcripts); and 83 more; short protein forms N1819H, N1772H, N1840H, Q690P, N715H, N1690H, N1731H, N1770H.
Identifiers: ClinVar variation 868509 (VCV000868509.3), dbSNP rs2050979993, ClinGen allele CA10590474.

Conditions:
Breast-ovarian cancer, familial, susceptibility to, 1 (BROVCA1). Also called: BRCA1 Hereditary Breast and Ovarian Cancer; OVARIAN CANCER, SUSCEPTIBILITY TO. Identifiers: Orphanet 145, MedGen C2676676, MONDO:0011450, OMIM 604370. Disease mechanism: loss of function.

Submission:

Brotman Baty Institute, University of Washington
No classification provided (evidence only). Condition: Breast-ovarian cancer, familial 1. Review status: no classification provided. Collection method: in vitro. Allele origin: not applicable. Functional consequence: functionally_normal.
ClinVar note: "not provided" was previously submitted as the classification for the variant. However, the classification appeared to be based only on an observation of functional data so it was converted to no classification on 2025-07-30.